The following is an entry in ClinVar:

NM_053025.4(MYLK):c.2829G>A (p.Arg943=)

Gene: MYLK (myosin light chain kinase; minus strand). Cytogenetic location: 3q21.1.
Variant type: single nucleotide variant.
Coding change: c.2829G>A on transcript NM_053025.4 (MANE Select); coding-DNA position 2829, G replaced by A.
Protein change: p.Arg943=; no amino-acid change (arginine 943 retained).
Molecular consequence: synonymous variant.
Genome position (GRCh38, 1-based): chr3:123,700,639, C>T on the plus strand (G>A on the coding strand, the complement: MYLK is on the minus strand). VCF-style: chr3-123700639-C-T. GRCh37 (hg19) VCF-style: chr3-123419486-C-T.
Other names: c.2301G>A, p.Arg767= (NM_001321309.2); c.2622G>A, p.Arg874= (NM_053026.4, NM_053028.4); c.2829G>A, p.Arg943= (NM_053027.4).
Identifiers: ClinVar variation 1878217 (VCV001878217.1), dbSNP rs886057861, ClinGen allele CA435431744.

ClinVar aggregate classification (germline): Likely benign (1 of 4 stars; one submission).

Submission:

Women's Health and Genetics/Laboratory Corporation of America, LabCorp
Classification: Likely benign. Last evaluated: 2022-12-05. Review status: criteria provided, single submitter. Criteria: LabCorp Variant Classification Summary - May 2015. Collection method: clinical testing. Allele origin: germline.
Comment: Variant summary: MYLK c.2829G>A alters a conserved nucleotide resulting in a synonymous change. The variant was absent in 251368 control chromosomes. The available data on variant occurrences in the general population are insufficient to allow any conclusion about variant significance. To our knowledge, no occurrence of c.2829G>A in individuals affected with Thoracic Aortic Aneurysms And Dissections and no experimental evidence demonstrating its impact on protein function have been reported. No clinical diagnostic laboratories have submitted clinical-significance assessments for this variant to ClinVar after 2014. Based on the evidence outlined above, the variant was classified as likely benign.